The following is an entry in ClinVar:

NM_006087.4(TUBB4A):c.487A>G (p.Ile163Val)

Gene: TUBB4A (tubulin beta 4A class IVa; minus strand). Cytogenetic location: 19p13.3.
Variant type: single nucleotide variant.
Coding change: c.487A>G on transcript NM_006087.4 (MANE Select); coding-DNA position 487, A replaced by G.
Protein change: p.Ile163Val; replaces isoleucine 163 with valine.
Molecular consequence: missense variant.
Genome position (GRCh38, 1-based): chr19:6,496,012, T>C on the plus strand (A>G on the coding strand, the complement: TUBB4A is on the minus strand). VCF-style: chr19-6496012-T-C. GRCh37 (hg19) VCF-style: chr19-6496023-T-C.
Other names: c.640A>G, p.Ile214Val (NM_001289123.2); c.622A>G, p.Ile208Val (NM_001289127.2); c.487A>G, p.Ile163Val (NM_001289129.2); c.271A>G, p.Ile91Val (NM_001289130.2, NM_001289131.2); short protein forms I163V, I208V, I214V, I91V.
Identifiers: ClinVar variation 1696982 (VCV001696982.2), dbSNP rs2145245682, ClinGen allele CA403592178.
Genomic context (GRCh38, chr19:6,496,012, plus strand): 5'-AGGGCTCCACCACCGTGTCTGACACTTTGGGCGAGGGCACCACGCTGAAGGTGTTCATGA[T>C]GCGGTCTGGGAACTCCTCGCGGATCTTACTGATGAGCAGCGTGCCCATTCCGGACCCCGT-3'
Protein context (NP_006078.2, residues 153-173): SKIREEFPDR[Ile163Val]MNTFSVVPSP

ClinVar aggregate classification (germline): Uncertain significance (1 of 4 stars; one submission).

Submission:

GeneDx
Classification: Uncertain significance. Last evaluated: 2022-01-12. Review status: criteria provided, single submitter. Criteria: GeneDx Variant Classification Process June 2021. Collection method: clinical testing. Allele origin: germline. Affected: yes.
Comment: Not observed at significant frequency in large population cohorts (gnomAD); In silico analysis supports that this missense variant does not alter protein structure/function; Has not been previously published as pathogenic or benign to our knowledge